The following is an entry in ClinVar:

ClinVar aggregate classification (germline): Conflicting classifications of pathogenicity. Review status: criteria provided, conflicting classifications (1 of 4 stars). 3 submissions from 3 submitters: Likely pathogenic (1); Uncertain significance (2). Last evaluated 2026-06-22.

Conditions:
Cardiovascular phenotype. Identifiers: MedGen CN230736.
Brugada syndrome 8 (BRGDA8). Identifiers: Orphanet 130, MedGen C2751083, MONDO:0013148, OMIM 613123.

Allele frequency attached by ClinVar (database versions not stated): TOPMed below 0.00001.
gnomAD v4.1: 1 of 1,613,928 alleles (0.000062%); highest among the groups gnomAD compares: Non-Finnish European, 0.000085%; no homozygotes.

Submissions (3):

Ambry Genetics
Classification: Uncertain significance for Cardiovascular phenotype. Last evaluated: 2026-06-22. Review status: criteria provided, single submitter. Criteria: Ambry Variant Classification Scheme 2023. Collection method: clinical testing. Allele origin: germline.
Comment: The p.K530N variant (also known as c.1590G>C), located in coding exon 4 of the HCN4 gene, results from a G to C substitution at nucleotide position 1590. The lysine at codon 530 is replaced by asparagine, an amino acid with similar properties. However, this change occurs in the last base pair of coding exon 4 and may have some effect on normal mRNA splicing. This variant was identified in one or more individuals with features consistent with HCN4-related sick sinus syndrome and segregated with disease in at least one family (Duhme N et al. Eur. Heart J., 2013 Sep;34:2768-75). In an assay testing HCN4 function, this variant showed a functionally abnormal result (Duhme N et al. Eur. Heart J., 2013 Sep;34:2768-75). This nucleotide position is highly conserved in available vertebrate species. In silico splice site analysis predicts that this alteration will not have any significant effect on splicing. This amino acid position is highly conserved in available vertebrate species. In addition, as a missense substitution this is predicted to be inconclusive by in silico analysis. In addition, loss of function has not been established as a mechanism of disease. Based on the available evidence, the clinical significance of this variant remains unclear.

Labcorp Genetics (formerly Invitae), Labcorp
Classification: Uncertain significance for Brugada syndrome 8. Last evaluated: 2026-01-12. Review status: criteria provided, single submitter. Criteria: Invitae Variant Classification Sherloc (09022015). Collection method: clinical testing. Allele origin: germline.
Comment: This sequence change replaces lysine, which is basic and polar, with asparagine, which is neutral and polar, at codon 530 of the HCN4 protein (p.Lys530Asn). This variant also falls at the last nucleotide of exon 4, which is part of the consensus splice site for this exon. This variant is not present in population databases (gnomAD no frequency). This missense change has been observed in individual(s) with tachycardia–bradycardia syndrome and persistent atrial fibrillation (PMID: 23178648). ClinVar contains an entry for this variant (Variation ID: 519553). Invitae Evidence Modeling of protein sequence and biophysical properties (such as structural, functional, and spatial information, amino acid conservation, physicochemical variation, residue mobility, and thermodynamic stability) indicates that this missense variant is expected to disrupt HCN4 protein function with a positive predictive value of 95%. Experimental studies have shown that this missense change affects HCN4 function (PMID: 23178648). Variants that disrupt the consensus splice site are a relatively common cause of aberrant splicing (PMID: 17576681, 9536098). In summary, the available evidence is currently insufficient to determine the role of this variant in disease. Therefore, it has been classified as a Variant of Uncertain Significance.

GeneDx
Classification: Likely pathogenic. Last evaluated: 2022-10-19. Review status: criteria provided, single submitter. Criteria: GeneDx Variant Classification Process June 2021. Collection method: clinical testing. Allele origin: germline. Affected: yes.
Comment: Not observed at significant frequency in large population cohorts (gnomAD); In silico analysis supports that this missense variant has a deleterious effect on protein structure/function; Published functional studies suggest a damaging effect on channel function (Duhme et al., 2013); This variant is associated with the following publications: (PMID: 24569893, 23178648)

Literature cited by the submitters: PubMed 23178648 (cited by Ambry Genetics and Labcorp Genetics (formerly Invitae), Labcorp); PubMed 17576681 (cited by Labcorp Genetics (formerly Invitae), Labcorp); PubMed 9536098 (cited by Labcorp Genetics (formerly Invitae), Labcorp).

NM_005477.3(HCN4):c.1590G>C (p.Lys530Asn)

Gene: HCN4 (hyperpolarization activated cyclic nucleotide gated potassium channel 4; minus strand). Cytogenetic location: 15q24.1.
Variant type: single nucleotide variant.
Coding change: c.1590G>C on transcript NM_005477.3 (MANE Select); coding-DNA position 1590, G replaced by C.
Protein change: p.Lys530Asn; replaces lysine 530 with asparagine.
Molecular consequence: missense variant.
Genome position (GRCh38, 1-based): chr15:73,329,573, C>G on the plus strand (G>C on the coding strand, the complement: HCN4 is on the minus strand). VCF-style: chr15-73329573-C-G. GRCh37 (hg19) VCF-style: chr15-73621914-C-G.
Other names: short protein forms K530N.
Identifiers: ClinVar variation 519553 (VCV000519553.16), dbSNP rs1555475961, ClinGen allele CA393093311.